The following is an entry in ClinVar:

NM_001042492.3(NF1):c.268C>A (p.Leu90Met)

Gene: NF1 (neurofibromin 1; plus strand). Cytogenetic location: 17q11.2.
Variant type: single nucleotide variant.
Coding change: c.268C>A on transcript NM_001042492.3 (MANE Select); coding-DNA position 268, C replaced by A.
Protein change: p.Leu90Met; replaces leucine 90 with methionine.
Molecular consequence: missense variant.
Genome position (GRCh38, 1-based): chr17:31,159,073, C>A. VCF-style: chr17-31159073-C-A. GRCh37 (hg19) VCF-style: chr17-29486091-C-A.
Other names: c.268C>A, p.Leu90Met (NM_000267.4, NM_001128147.3); short protein forms L90M.
Identifiers: ClinVar variation 1794776 (VCV001794776.5), dbSNP rs2143646397, ClinGen allele CA398989766.

ClinVar aggregate classification (germline): Uncertain significance. Review status: criteria provided, multiple submitters, no conflicts (2 of 4 stars). 2 submissions from 2 submitters: Uncertain significance (2). Last evaluated 2023-05-27.

Conditions:
Neurofibromatosis, type 1 (NF1). Also called: NEUROFIBROMATOSIS, TYPE I, SOMATIC; Peripheral type neurofibromatosis; VON RECKLINGHAUSEN DISEASE; Neurofibromatosis, type I. Identifiers: Orphanet 636, MedGen C0027831, MONDO:0018975, OMIM 162200. Disease mechanism: loss of function.
Hereditary cancer-predisposing syndrome. Also called: Neoplastic Syndromes, Hereditary; Tumor predisposition; Hereditary neoplastic syndrome; Hereditary Cancer Syndrome. Identifiers: Orphanet 140162, MedGen C0027672, MeSH D009386, MONDO:0015356.
Cardiovascular phenotype. Identifiers: MedGen CN230736.

Submissions (2):

Labcorp Genetics (formerly Invitae), Labcorp
Classification: Uncertain significance for Neurofibromatosis, type 1. Last evaluated: 2023-05-27. Review status: criteria provided, single submitter. Criteria: Invitae Variant Classification Sherloc (09022015). Collection method: clinical testing. Allele origin: germline.
Comment: This sequence change replaces leucine, which is neutral and non-polar, with methionine, which is neutral and non-polar, at codon 90 of the NF1 protein (p.Leu90Met). In summary, the available evidence is currently insufficient to determine the role of this variant in disease. Therefore, it has been classified as a Variant of Uncertain Significance. This variant disrupts the p.Leu90 amino acid residue in NF1. Other variant(s) that disrupt this residue have been determined to be pathogenic (PMID: 17426081, 30046999; Invitae). This suggests that this residue is clinically significant, and that variants that disrupt this residue are likely to be disease-causing. Advanced modeling of protein sequence and biophysical properties (such as structural, functional, and spatial information, amino acid conservation, physicochemical variation, residue mobility, and thermodynamic stability) performed at Invitae indicates that this missense variant is expected to disrupt NF1 protein function. ClinVar contains an entry for this variant (Variation ID: 1794776). This variant has not been reported in the literature in individuals affected with NF1-related conditions. This variant is not present in population databases (gnomAD no frequency).

Ambry Genetics
Classification: Uncertain significance for Cardiovascular phenotype; Hereditary cancer-predisposing syndrome. Last evaluated: 2017-12-04. Review status: criteria provided, single submitter. Criteria: Ambry Variant Classification Scheme 2023. Collection method: clinical testing. Allele origin: germline.
Comment: The p.L90M variant (also known as c.268C>A), located in coding exon 3 of the NF1 gene, results from a C to A substitution at nucleotide position 268. The leucine at codon 90 is replaced by methionine, an amino acid with highly similar properties. This amino acid position is highly conserved in available vertebrate species. In addition, this alteration is predicted to be deleterious by in silico analysis. Since supporting evidence is limited at this time, the clinical significance of this alteration remains unclear.

Literature cited by the submitters: PubMed 17426081 (cited by Labcorp Genetics (formerly Invitae), Labcorp); PubMed 30046999 (cited by Labcorp Genetics (formerly Invitae), Labcorp).